The following is an entry in ClinVar:

NM_001943.5(DSG2):c.1424-8_1424-7inv

Gene: DSG2 (desmoglein 2; plus strand). Cytogenetic location: 18q12.1.
Variant type: Inversion.
Coding change: c.1424-8_1424-7inv on transcript NM_001943.5 (MANE Select).
Molecular consequence: intron variant.
Genome position: GRCh38 VCF-style: chr18-31536194-TT-AA. GRCh37 (hg19) VCF-style: chr18-29116157-TT-AA.
Identifiers: ClinVar variation 1331770 (VCV001331770.2), ClinGen allele CA2573054649.
Genomic context (GRCh38, chr18:31,536,194, plus strand): 5'-AATTCAAACTATGTCTGTTGTCAGCAATAGGAACAGAATGTACATACTTTTTCTCTCTTA[TT>AA]TTTAAGATTATCCTAGAAAAACCATCACTGGCACAGTCCTTATCAATGTTGAAGACATCA-3'

ClinVar aggregate classification (germline): Uncertain significance (1 of 4 stars; one submission).

Conditions:
Cardiomyopathy (CMYO). Also called: Cardiomyopathies. Identifiers: Orphanet 167848, MedGen C0878544, MONDO:0004994, HP:0001638. Inheritance: Various modes of inheritance.

Submission:

Color Diagnostics, LLC DBA Color Health
Classification: Uncertain significance for Cardiomyopathy. Last evaluated: 2021-03-08. Review status: criteria provided, single submitter. Criteria: ACMG Guidelines, 2015. Collection method: clinical testing. Allele origin: germline.
Comment: This variant replaces two nucleotides at the -7 and -8 positions in intron 10 of the DSG2 gene. Splice prediction tools and conservation analysis are inconclusive regarding the impact of this variant on RNA splicing. To our knowledge, functional studies have not been reported for this variant. This variant has not been reported in individuals affected with cardiovascular disorders in the literature. This variant has not been identified in the general population by the Genome Aggregation Database (gnomAD). The available evidence is insufficient to determine the role of this variant in disease conclusively. Therefore, this variant is classified as a Variant of Uncertain Significance.